The following is an entry in ClinVar:

ClinVar aggregate classification (germline): Likely benign. Review status: criteria provided, multiple submitters, no conflicts (2 of 4 stars). 3 submissions from 3 submitters: Likely benign (2). 1 of the submissions does not count toward it. Last evaluated 2026-02-03.

Conditions:
SMARCB1-related disorder. Also called: SMARCB1-related condition; SMARCB1-related disorders.
Hereditary cancer-predisposing syndrome. Also called: Hereditary neoplastic syndrome; Neoplastic Syndromes, Hereditary; Hereditary Cancer Syndrome; Tumor predisposition. Identifiers: Orphanet 140162, MedGen C0027672, MeSH D009386, MONDO:0015356.

Allele frequency attached by ClinVar (database versions not stated): ExAC 0.00003; gnomAD exomes 0.00003 and 0.00005; gnomAD 0.00006 and 0.00007; TOPMed 0.00008; 1000 Genomes Project 30x 0.00016; 1000 Genomes Project 0.00020.
gnomAD v4.1: 78 of 1,614,166 alleles (0.0048%); highest among the groups gnomAD compares: African/African-American, 0.011%; no homozygotes.

Submissions (3):

Labcorp Genetics (formerly Invitae), Labcorp
Classification: Likely benign. Last evaluated: 2026-02-03. Review status: criteria provided, single submitter. Criteria: Invitae Variant Classification Sherloc (09022015). Collection method: clinical testing. Allele origin: germline.

Ambry Genetics
Classification: Likely benign for Hereditary cancer-predisposing syndrome. Last evaluated: 2016-08-25. Review status: criteria provided, single submitter. Criteria: Ambry Variant Classification Scheme 2023. Collection method: clinical testing. Allele origin: germline.

PreventionGenetics, part of Exact Sciences
Classification: Likely benign for SMARCB1-related condition. Last evaluated: 2022-02-09. Review status: no assertion criteria provided. Collection method: clinical testing. Allele origin: germline. Not counted in ClinVar's aggregate classification.
Comment: This variant is classified as likely benign based on ACMG/AMP sequence variant interpretation guidelines (Richards et al. 2015 PMID: 25741868, with internal and published modifications).

NM_003073.5(SMARCB1):c.537C>T (p.Asn179=)

Gene: SMARCB1 (SWI/SNF related BAF chromatin remodeling complex subunit B1; plus strand). Cytogenetic location: 22q11.23.
Variant type: single nucleotide variant.
Coding change: c.537C>T on transcript NM_003073.5 (MANE Select); coding-DNA position 537, C replaced by T.
Protein change: p.Asn179=; no amino-acid change (asparagine 179 retained).
Molecular consequence: synonymous variant.
Genome position (GRCh38, 1-based): chr22:23,803,331, C>T. VCF-style: chr22-23803331-C-T. GRCh37 (hg19) VCF-style: chr22-24145518-C-T.
Other names: c.537C>T (LRG_520t1, NM_003073.4); c.510C>T, p.Asn170= (NM_001007468.3); c.564C>T, p.Asn188= (NM_001317946.2); c.591C>T, p.Asn197= (NM_001362877.2).
Identifiers: ClinVar variation 589365 (VCV000589365.18), dbSNP rs533184210, ClinGen allele CA10145989.
Genomic context (GRCh38, chr22:23,803,331, plus strand): 5'-CTGTTGCTTCCATTTCACTTTCAGCTTTGATGACCATGACCCAGCTGTGATCCATGAGAA[C>T]GCATCTCAGCCCGAGGTGCTGGTCCCCATCCGGCTGGACATGGAGATCGATGGGCAGAAG-3'
Protein context (NP_003064.2, residues 169-189): DDHDPAVIHE[Asn179=]ASQPEVLVPI